The following is an entry in ClinVar:

ClinVar aggregate classification (germline): Conflicting classifications of pathogenicity. Review status: criteria provided, conflicting classifications (1 of 4 stars). 2 submissions from 2 submitters: Uncertain significance (1); Likely benign (1). Last evaluated 2025-12-07.

Conditions:
Dyskeratosis congenita, autosomal recessive 5 (DKCB5). Identifiers: MedGen C3554656, MONDO:0014076, OMIM 615190.
Pulmonary fibrosis and/or bone marrow failure, Telomere-related, 3. Also called: PULMONARY FIBROSIS AND/OR BONE MARROW FAILURE SYNDROME, TELOMERE-RELATED, 3. Identifiers: Orphanet 2032, MedGen C4225346, MONDO:0014613, OMIM 616373.
Inborn genetic diseases. Identifiers: MedGen C0950123, MeSH D030342.

Allele frequency attached by ClinVar (database versions not stated): gnomAD exomes 0.00001 and 0.00002; ExAC 0.00002; TOPMed 0.00003; gnomAD 0.00005 and 0.00006; 1000 Genomes Project 30x 0.00016; 1000 Genomes Project 0.00020.
gnomAD v4.1: 40 of 1,612,238 alleles (0.0025%); highest among the groups gnomAD compares: African/African-American, 0.017%; no homozygotes.

Submissions (2):

Labcorp Genetics (formerly Invitae), Labcorp
Classification: Likely benign for Dyskeratosis congenita, autosomal recessive 5; Pulmonary fibrosis and/or bone marrow failure, Telomere-related, 3. Last evaluated: 2025-12-07. Review status: criteria provided, single submitter. Criteria: Invitae Variant Classification Sherloc (09022015). Collection method: clinical testing. Allele origin: germline.

Ambry Genetics
Classification: Uncertain significance for Inborn genetic diseases. Last evaluated: 2024-11-26. Review status: criteria provided, single submitter. Criteria: Ambry Variant Classification Scheme 2023. Collection method: clinical testing. Allele origin: germline.
Comment: The p.A1249T variant (also known as c.3745G>A), located in coding exon 33 of the RTEL1 gene, results from a G to A substitution at nucleotide position 3745. The alanine at codon 1249 is replaced by threonine, an amino acid with similar properties. This amino acid position is conserved. In addition, this alteration is predicted to be tolerated by in silico analysis. Based on the available evidence, the clinical significance of this variant remains unclear.

NM_001283009.2(RTEL1):c.3745G>A (p.Ala1249Thr)

Genes: RTEL1 (regulator of telomere elongation helicase 1; plus strand), RTEL1-TNFRSF6B (RTEL1-TNFRSF6B readthrough (NMD candidate); plus strand). Cytogenetic location: 20q13.33.
Variant type: single nucleotide variant.
Coding change: c.3745G>A on transcript NM_001283009.2 (MANE Select); coding-DNA position 3745, G replaced by A.
Protein change: p.Ala1249Thr; replaces alanine 1249 with threonine.
Molecular consequence: missense variant. On other transcripts: non-coding transcript variant (1), intron variant (3).
Genome position (GRCh38, 1-based): chr20:63,695,573, G>A. VCF-style: chr20-63695573-G-A. GRCh37 (hg19) VCF-style: chr20-62326926-G-A.
Other names: c.2983+93G>A (NM_001283010.1); c.3724+93G>A (NM_032957.5); c.3652+93G>A (NM_016434.4); short protein forms A1249T.
Identifiers: ClinVar variation 725383 (VCV000725383.10), dbSNP rs201237264, ClinGen allele CA9966173.
Genomic context (GRCh38, chr20:63,695,573, plus strand): 5'-CAGGCCACGGGAGCTCCGGGCGGGCCCCTCTCAGCAGGCTGTGTGTGCCAGGGCTGTGGG[G>A]CAGAGGACGTGGTGCCCTTCCAGTGCCCTGCCTGTGACTTCCAGCGCTGCCAAGCCTGCT-3'
Protein context (NP_001269938.1, residues 1239-1259): SAGCVCQGCG[Ala1249Thr]EDVVPFQCPA